The following is an entry in ClinVar:

ClinVar aggregate classification (germline): Uncertain significance (1 of 4 stars; one submission).

Submission:

GeneDx
Classification: Uncertain significance. Last evaluated: 2017-09-21. Review status: criteria provided, single submitter. Criteria: GeneDx Variant Classification (06012015). Collection method: clinical testing. Allele origin: germline. Affected: yes.
Comment: The N491H variant has not been published as a pathogenic variant, nor has it been reported as a benign variant to our knowledge. The N491H variant is not observed in large population cohorts (Lek et al., 2016). This substitution occurs at a position that is where amino acids with similar properties to Asparagine are tolerated across species. However, this variant is a semi-conservative amino acid substitution, which may impact secondary protein structure as these residues differ in some properties, and in silico analysis predicts this variant is probably damaging to the protein structure/function.

NM_001347721.2(DYRK1A):c.1444A>C (p.Asn482His)

Gene: DYRK1A (dual specificity tyrosine phosphorylation regulated kinase 1A; plus strand). Cytogenetic location: 21q22.13.
Variant type: single nucleotide variant.
Coding change: c.1444A>C on transcript NM_001347721.2 (MANE Select); coding-DNA position 1444, A replaced by C.
Protein change: p.Asn482His; replaces asparagine 482 with histidine.
Molecular consequence: missense variant.
Genome position (GRCh38, 1-based): chr21:37,505,514, A>C. VCF-style: chr21-37505514-A-C. GRCh37 (hg19) VCF-style: chr21-38877817-A-C.
Other names: c.1444A>C, p.Asn482His (NM_001347722.2, NM_130436.2); c.1357A>C, p.Asn453His (NM_001347723.2); c.1471A>C, p.Asn491His (NM_001396.5, NM_101395.2, NM_130438.2); short protein forms N491H, N453H, N482H.
Identifiers: ClinVar variation 452186 (VCV000452186.2), dbSNP rs1555991038, ClinGen allele CA409938607.